The following is an entry in ClinVar:

ClinVar aggregate classification (germline): Uncertain significance. Review status: criteria provided, multiple submitters, no conflicts (2 of 4 stars). 6 submissions from 6 submitters: Uncertain significance (6). Last evaluated 2025-06-24.

Conditions:
Hereditary cancer-predisposing syndrome. Also called: Hereditary neoplastic syndrome; Neoplastic Syndromes, Hereditary; Tumor predisposition; Hereditary Cancer Syndrome. Identifiers: Orphanet 140162, MedGen C0027672, MeSH D009386, MONDO:0015356.
Hereditary diffuse gastric adenocarcinoma (HDGC). Also called: DIFFUSE GASTRIC AND LOBULAR BREAST CANCER SYNDROME. Identifiers: Orphanet 26106, MedGen C1708349, MONDO:0007648, OMIM 137215.
Familial cancer of breast. Also called: BREAST CANCER, FAMILIAL; hereditary breast carcinoma; Hereditary breast cancer. Identifiers: Orphanet 227535, MedGen C0346153, MONDO:0016419, OMIM 114480. Disease mechanism: loss of function.

Allele frequency attached by ClinVar (database versions not stated): TOPMed below 0.00001; gnomAD 0.00001.
gnomAD v4.1: 1 of 1,613,950 alleles (0.000062%); highest among the groups gnomAD compares: Non-Finnish European, 0.000085%; no homozygotes.

Submissions (6):

Labcorp Genetics (formerly Invitae), Labcorp
Classification: Uncertain significance for Hereditary diffuse gastric adenocarcinoma. Last evaluated: 2025-06-24. Review status: criteria provided, single submitter. Criteria: Invitae Variant Classification Sherloc (09022015). Collection method: clinical testing. Allele origin: germline.
Comment: This sequence change replaces serine, which is neutral and polar, with cysteine, which is neutral and slightly polar, at codon 850 of the CDH1 protein (p.Ser850Cys). This variant is not present in population databases (gnomAD no frequency). This variant has not been reported in the literature in individuals affected with CDH1-related conditions. ClinVar contains an entry for this variant (Variation ID: 463769). An algorithm developed to predict the effect of missense changes on protein structure and function (PolyPhen-2) suggests that this variant is likely to be disruptive. In summary, the available evidence is currently insufficient to determine the role of this variant in disease. Therefore, it has been classified as a Variant of Uncertain Significance.

Ambry Genetics
Classification: Uncertain significance for Hereditary cancer-predisposing syndrome. Last evaluated: 2024-01-11. Review status: criteria provided, single submitter. Criteria: Ambry Variant Classification Scheme 2023. Collection method: clinical testing. Allele origin: germline.
Comment: The p.S850C variant (also known as c.2549C>G), located in coding exon 16 of the CDH1 gene, results from a C to G substitution at nucleotide position 2549. The serine at codon 850 is replaced by cysteine, an amino acid with dissimilar properties. This amino acid position is highly conserved in available vertebrate species. In addition, this alteration is predicted to be deleterious by in silico analysis. Since supporting evidence is limited at this time, the clinical significance of this alteration remains unclear.

Color Diagnostics, LLC DBA Color Health
Classification: Uncertain significance for Hereditary cancer-predisposing syndrome. Last evaluated: 2023-12-04. Review status: criteria provided, single submitter. Criteria: ACMG Guidelines, 2015. Collection method: clinical testing. Allele origin: germline.
Comment: This missense variant replaces serine with cysteine at codon 850 of the CDH1 protein. To our knowledge, functional studies have not been reported for this variant. This variant has not been reported in individuals affected with CDH1-related disorders in the literature. This variant has not been identified in the general population by the Genome Aggregation Database (gnomAD). The available evidence is insufficient to determine the role of this variant in disease conclusively. Therefore, this variant is classified as a Variant of Uncertain Significance.

Baylor Genetics
Classification: Uncertain significance for Familial cancer of breast. Last evaluated: 2023-06-16. Review status: criteria provided, single submitter. Criteria: ACMG Guidelines, 2015. Collection method: clinical testing. Allele origin: unknown.

Sema4
Classification: Uncertain significance for Hereditary cancer-predisposing syndrome. Last evaluated: 2021-11-15. Review status: criteria provided, single submitter. Criteria: Sema4 Curation Guidelines. Collection method: curation. Allele origin: germline.
Comment: The CDH1 c.2549C>G (p.S850C) variant has not been reported in the literature to our knowledge. This variant is not reported in the large and broad cohorts of the Genome Aggregation Database (PMID: 32461654). This variant has been reported in ClinVar (Variation ID 463769). Functional studies have not been performed, and in silico predictions of the variant's effect on protein function are inconclusive. The overall evidence is insufficient to meet ACMG/AMP criteria for classifying it as benign or pathogenic. In summary, the clinical significance of this variant is currently uncertain.

Institute for Biomarker Research, Medical Diagnostic Laboratories, L.L.C.
Classification: Uncertain significance for Hereditary cancer-predisposing syndrome. Last evaluated: 2018-01-16. Review status: criteria provided, single submitter. Criteria: ACMG Guidelines, 2015. Collection method: clinical testing. Allele origin: germline.

NM_004360.5(CDH1):c.2549C>G (p.Ser850Cys)

Gene: CDH1 (cadherin 1; plus strand). Cytogenetic location: 16q22.1.
Variant type: single nucleotide variant.
Coding change: c.2549C>G on transcript NM_004360.5 (MANE Select); coding-DNA position 2549, C replaced by G.
Protein change: p.Ser850Cys; replaces serine 850 with cysteine.
Molecular consequence: missense variant.
Genome position (GRCh38, 1-based): chr16:68,833,399, C>G. VCF-style: chr16-68833399-C-G. GRCh37 (hg19) VCF-style: chr16-68867302-C-G.
Other names: c.2549C>G (LRG_301t1); c.2366C>G, p.Ser789Cys (NM_001317184.2); c.1001C>G, p.Ser334Cys (NM_001317185.2); c.584C>G, p.Ser195Cys (NM_001317186.2); short protein forms S850C, S789C, S195C, S334C.
Identifiers: ClinVar variation 463769 (VCV000463769.25), dbSNP rs1337211551, ClinGen allele CA396472399.